The following is an entry in ClinVar:

NM_138927.4(SON):c.1645C>A (p.Pro549Thr)

Gene: SON (SON DNA and RNA binding protein; plus strand). Cytogenetic location: 21q22.11.
Variant type: single nucleotide variant.
Coding change: c.1645C>A on transcript NM_138927.4 (MANE Select); coding-DNA position 1645, C replaced by A.
Protein change: p.Pro549Thr; replaces proline 549 with threonine.
Molecular consequence: missense variant. On other transcripts: non-coding transcript variant (1), intron variant (1).
Genome position (GRCh38, 1-based): chr21:33,550,876, C>A. VCF-style: chr21-33550876-C-A. GRCh37 (hg19) VCF-style: chr21-34923182-C-A.
Other names: c.1645C>A, p.Pro549Thr (NM_001291411.2, NM_032195.3); c.244+4497C>A (NM_001291412.3); short protein forms P549T.
Identifiers: ClinVar variation 1419940 (VCV001419940.8), dbSNP rs780386730, ClinGen allele CA10008944.

ClinVar aggregate classification (germline): Uncertain significance (1 of 4 stars; one submission).

Allele frequency attached by ClinVar (database versions not stated): TOPMed below 0.00001; gnomAD 0.00001; ExAC 0.00005.
gnomAD v4.1: 40 of 1,612,100 alleles (0.0025%); highest among the groups gnomAD compares: South Asian, 0.04%; no homozygotes.

Submission:

Labcorp Genetics (formerly Invitae), Labcorp
Classification: Uncertain significance. Last evaluated: 2025-11-24. Review status: criteria provided, single submitter. Criteria: Invitae Variant Classification Sherloc (09022015). Collection method: clinical testing. Allele origin: germline.
Comment: This sequence change replaces proline, which is neutral and non-polar, with threonine, which is neutral and polar, at codon 549 of the SON protein (p.Pro549Thr). This variant is present in population databases (rs780386730, gnomAD 0.04%), and has an allele count higher than expected for a pathogenic variant. This variant has not been reported in the literature in individuals affected with SON-related conditions. ClinVar contains an entry for this variant (Variation ID: 1419940). An algorithm developed to predict the effect of missense changes on protein structure and function (PolyPhen-2) suggests that this variant is likely to be disruptive. In summary, the available evidence is currently insufficient to determine the role of this variant in disease. Therefore, it has been classified as a Variant of Uncertain Significance.